The following is an entry in ClinVar:

ClinVar aggregate classification (germline): Pathogenic (1 of 4 stars; one submission).

Conditions:
Hereditary antithrombin deficiency (AT3D). Also called: Antithrombin deficiency; Antithrombin III deficiency; Reduced antithrombin III activity; Thrombophilia due to antithrombin III deficiency. Identifiers: Orphanet 82, MedGen C0272375, MONDO:0013144, OMIM 613118, HP:0001976.

Submission:

Labcorp Genetics (formerly Invitae), Labcorp
Classification: Pathogenic for Hereditary antithrombin deficiency. Last evaluated: 2023-05-01. Review status: criteria provided, single submitter. Criteria: Invitae Variant Classification Sherloc (09022015). Collection method: clinical testing. Allele origin: germline.
Comment: For these reasons, this variant has been classified as Pathogenic. This variant disrupts a region of the SERPINC1 protein in which other variant(s) (p.Gly456Arg) have been determined to be pathogenic (PMID: 8274732). This suggests that this is a clinically significant region of the protein, and that variants that disrupt it are likely to be disease-causing. This variant has not been reported in the literature in individuals affected with SERPINC1-related conditions. This variant is not present in population databases (gnomAD no frequency). This sequence change creates a premature translational stop signal (p.Ala403Hisfs*5) in the SERPINC1 gene. While this is not anticipated to result in nonsense mediated decay, it is expected to disrupt the last 62 amino acid(s) of the SERPINC1 protein.

Literature cited by the submitters: PubMed 8274732.

NM_000488.4(SERPINC1):c.1207del (p.Ala403fs)

Gene: SERPINC1 (serpin family C member 1; minus strand). Cytogenetic location: 1q25.1.
Variant type: Deletion.
Coding change: c.1207del on transcript NM_000488.4 (MANE Select); coding-DNA position 1207, one base deleted (G; older notation c.1207delG).
Protein change: p.Ala403fs; shifts the reading frame from alanine 403.
Molecular consequence: frameshift variant.
Genome position (GRCh38, 1-based): chr1:173,907,461, C deleted on the plus strand (G on the coding strand, the reverse complement: SERPINC1 is on the minus strand); the first of 2 consecutive C bases (chr1:173,907,461-173,907,462); deleting either gives the same sequence. VCF-style (leftmost placement, unchanged base first): chr1-173907460-GC-G. GRCh37 (hg19) VCF-style: chr1-173876598-GC-G.
Other names: c.1063del, p.Ala355fs (NM_001365052.2); c.1330del, p.Ala444fs (NM_001386302.1); c.1288del, p.Ala430fs (NM_001386303.1); c.1186del, p.Ala396fs (NM_001386304.1); c.1150del, p.Ala384fs (NM_001386305.1); c.991del, p.Ala331fs (NM_001386306.1); short protein forms A384fs, A355fs, A403fs, A430fs, A444fs, A331fs, A396fs.
Identifiers: ClinVar variation 2861330 (VCV002861330.3), dbSNP rs2526559464, ClinGen allele CA2586967714.